The following is an entry in ClinVar:

ClinVar aggregate classification (germline): Uncertain significance. Review status: criteria provided, multiple submitters, no conflicts (2 of 4 stars). 2 submissions from 2 submitters: Uncertain significance (2). Last evaluated 2023-10-24.

Submissions (2):

GeneDx
Classification: Uncertain significance. Last evaluated: 2023-10-24. Review status: criteria provided, single submitter. Criteria: GeneDx Variant Classification Process June 2021. Collection method: clinical testing. Allele origin: germline. Affected: yes.
Comment: Not observed at significant frequency in large population cohorts (gnomAD); In silico analysis supports that this missense variant does not alter protein structure/function; Has not been previously published as pathogenic or benign to our knowledge

Blueprint Genetics
Classification: Uncertain significance. Last evaluated: 2023-01-12. Review status: criteria provided, single submitter. Criteria: ACMG Guidelines, 2015. Collection method: clinical testing. Allele origin: germline.

NM_013436.5(NCKAP1):c.3383C>T (p.Ala1128Val)

Gene: NCKAP1 (NCK associated protein 1; minus strand). Cytogenetic location: 2q32.1.
Variant type: single nucleotide variant.
Coding change: c.3383C>T on transcript NM_013436.5 (MANE Select); coding-DNA position 3383, C replaced by T.
Protein change: p.Ala1128Val; replaces alanine 1128 with valine.
Molecular consequence: missense variant.
Genome position (GRCh38, 1-based): chr2:182,925,706, G>A on the plus strand (C>T on the coding strand, the complement: NCKAP1 is on the minus strand). VCF-style: chr2-182925706-G-A. GRCh37 (hg19) VCF-style: chr2-183790434-G-A.
Other names: c.3401C>T, p.Ala1134Val (NM_205842.3); short protein forms A1128V, A1134V.
Identifiers: ClinVar variation 3365991 (VCV003365991.2).